The following is an entry in ClinVar:

ClinVar aggregate classification (germline): Benign (0 of 4 stars; one submission).

Conditions:
ASH1L-related disorder. Also called: ASH1L-related condition.

Allele frequency attached by ClinVar (database versions not stated): gnomAD exomes 0.00055; ExAC 0.00220; 1000 Genomes Project 0.00619; gnomAD 0.00620; TOPMed 0.00686; 1000 Genomes Project 30x 0.00687; ESP Exome Variant Server 0.00753.
gnomAD v4.1: 1,725 of 1,549,466 alleles (0.11%); highest among the groups gnomAD compares: African/African-American, 2.2%; 20 homozygotes.

Submission:

PreventionGenetics, part of Exact Sciences
Classification: Benign for ASH1L-related condition. Last evaluated: 2021-12-16. Review status: no assertion criteria provided. Collection method: clinical testing. Allele origin: germline.
Comment: This variant is classified as benign based on ACMG/AMP sequence variant interpretation guidelines (Richards et al. 2015 PMID: 25741868, with internal and published modifications).

NM_018489.3(ASH1L):c.5821A>G (p.Asn1941Asp)

Gene: ASH1L (ASH1 like histone lysine methyltransferase; minus strand). Cytogenetic location: 1q22.
Variant type: single nucleotide variant.
Coding change: c.5821A>G on transcript NM_018489.3 (MANE Select); coding-DNA position 5821, A replaced by G.
Protein change: p.Asn1941Asp; replaces asparagine 1941 with aspartic acid.
Molecular consequence: missense variant.
Genome position (GRCh38, 1-based): chr1:155,438,334, T>C on the plus strand (A>G on the coding strand, the complement: ASH1L is on the minus strand). VCF-style: chr1-155438334-T-C. GRCh37 (hg19) VCF-style: chr1-155408125-T-C.
Other names: c.5821A>G, p.Asn1941Asp (NM_001366177.2); short protein forms N1941D.
Identifiers: ClinVar variation 3037834 (VCV003037834.2), dbSNP rs78904392, ClinGen allele CA1146695.
Genomic context (GRCh38, chr1:155,438,334, plus strand): 5'-GTTTTTCAAAGCTAGTTTCCTCTACTCAGATAATATGTTAAATGAGGAATTACCTTTTAT[T>C]ATTCTCTTGCTCTTCTTCCTCTGGTAATGGCTTCTGCTTTTTTCTGGTCTGTTCTTCCAA-3'
Protein context (NP_060959.2, residues 1931-1951): PLPEEEEQEN[Asn1941Asp]KSFNEAPVEI